The following is an entry in ClinVar:

NM_000264.5(PTCH1):c.2886_2887insCTA (p.Arg962_Ile963insLeu)

Gene: PTCH1 (patched 1; minus strand). Cytogenetic location: 9q22.32.
Variant type: Insertion.
Coding change: c.2886_2887insCTA on transcript NM_000264.5 (MANE Select); coding-DNA positions 2886 to 2887, CTA inserted.
Protein change: p.Arg962_Ile963insLeu.
Molecular consequence: inframe insertion. On other transcripts: non-coding transcript variant (1).
Genome position: GRCh38 VCF-style: chr9-95459600-T-TTAG. GRCh37 (hg19) VCF-style: chr9-98221882-T-TTAG.
Other names: c.2688_2689insCTA, p.Arg896_Ile897insLeu (NM_001083602.3); c.2883_2884insCTA, p.Arg961_Ile962insLeu (NM_001083603.3); c.2433_2434insCTA, p.Arg811_Ile812insLeu (NM_001083604.3, NM_001083605.3, NM_001083606.3 and 1 more transcripts); c.2730_2731insCTA, p.Arg910_Ile911insLeu (NM_001354918.2).
Identifiers: ClinVar variation 1366580 (VCV001366580.8), dbSNP rs2136669790, ClinGen allele CA2573144916.

ClinVar aggregate classification (germline): Uncertain significance (1 of 4 stars; one submission).

Conditions:
Gorlin syndrome. Also called: Basal cell nevus syndrome; Nevoid Basal Cell Carcinoma Syndrome. Identifiers: Orphanet 377, MedGen C0004779, MONDO:0007187.

Submission:

Labcorp Genetics (formerly Invitae), Labcorp
Classification: Uncertain significance for Gorlin syndrome. Last evaluated: 2021-01-21. Review status: criteria provided, single submitter. Criteria: Invitae Variant Classification Sherloc (09022015). Collection method: clinical testing. Allele origin: germline.
Comment: In summary, the available evidence is currently insufficient to determine the role of this variant in disease. Therefore, it has been classified as a Variant of Uncertain Significance. Algorithms developed to predict the effect of sequence changes on RNA splicing suggest that this variant may disrupt the consensus splice site, but this prediction has not been confirmed by published transcriptional studies. This variant has not been reported in the literature in individuals with PTCH1-related conditions. This variant is not present in population databases (ExAC no frequency). This variant, c.2886_2887insCTA, results in the insertion of 1 amino acid(s) to the PTCH1 protein (p.Arg962_Ile963insLeu), but otherwise preserves the integrity of the reading frame.